The following is an entry in ClinVar:

NM_000218.3(KCNQ1):c.1799C>T (p.Thr600Met)

Genes: KCNQ1 (potassium voltage-gated channel subfamily Q member 1; plus strand), KCNQ1-AS1 (KCNQ1 antisense RNA 1; minus strand). Cytogenetic location: 11p15.4.
Variant type: single nucleotide variant.
Coding change: c.1799C>T on transcript NM_000218.3 (MANE Select); coding-DNA position 1799, C replaced by T.
Protein change: p.Thr600Met; replaces threonine 600 with methionine.
Molecular consequence: missense variant.
Genome position (GRCh38, 1-based): chr11:2,847,771, C>T. VCF-style: chr11-2847771-C-T. GRCh37 (hg19) VCF-style: chr11-2869001-C-T.
Other names: p.T600M:ACG>ATG; c.1799C>T (LRG_287t1); c.1703C>T, p.Thr568Met (NM_001406836.1); c.1529C>T, p.Thr510Met (NM_001406837.1); c.1259C>T, p.Thr420Met (NM_001406838.1); c.311C>T, p.Thr104Met (NM_001406839.1); c.1418C>T, p.Thr473Met (NM_181798.2); short protein forms T600M, T473M, T104M, T568M, T420M, T510M.
Identifiers: ClinVar variation 67057 (VCV000067057.24), dbSNP rs34516117, ClinGen allele CA006439.

ClinVar aggregate classification (germline): Conflicting classifications of pathogenicity. Review status: criteria provided, conflicting classifications (1 of 4 stars). 9 submissions from 9 submitters: Uncertain significance (1); Likely benign (6). 2 of the submissions do not count toward it. Last evaluated 2026-01-19.

Conditions:
Cardiovascular phenotype. Identifiers: MedGen CN230736.
KCNQ1-related disorder. Also called: KCNQ1-related condition; KCNQ1-related disorders. Identifiers: MedGen CN239322.
Cardiac arrhythmia. Also called: Arrhythmia; Cardiac rhythm disease. Identifiers: MedGen C0003811, MONDO:0007263, HP:0011675.
Familial long QT syndrome (RWS). Also called: Congenital long QT syndrome; Romano-Ward syndrome; VENTRICULAR FIBRILLATION WITH PROLONGED QT INTERVAL. Identifiers: Orphanet 768, MedGen C1141890, MONDO:0019171.
Long QT syndrome (LQTS). Identifiers: MedGen C0023976, MeSH D008133, MONDO:0002442. Disease mechanism: loss of function. Inheritance: Various modes of inheritance.

Allele frequency attached by ClinVar (database versions not stated): gnomAD exomes 0.00006 and 0.00016; 1000 Genomes Project 30x 0.00016; ExAC 0.00034; gnomAD 0.00052 and 0.00062; 1000 Genomes Project 0.00020; ESP Exome Variant Server 0.00054; TOPMed 0.00068.
gnomAD v4.1: 167 of 1,573,298 alleles (0.011%); highest among the groups gnomAD compares: African/African-American, 0.2%; no homozygotes.

Submissions (9):

Labcorp Genetics (formerly Invitae), Labcorp
Classification: Likely benign for Long QT syndrome. Last evaluated: 2026-01-19. Review status: criteria provided, single submitter. Criteria: Invitae Variant Classification Sherloc (09022015). Collection method: clinical testing. Allele origin: germline.

Women's Health and Genetics/Laboratory Corporation of America, LabCorp
Classification: Likely benign. Last evaluated: 2024-07-08. Review status: criteria provided, single submitter. Criteria: LabCorp Variant Classification Summary - May 2015. Collection method: clinical testing. Allele origin: germline.

Blueprint Genetics
Classification: Likely benign. Last evaluated: 2024-06-19. Review status: criteria provided, single submitter. Criteria: ACMG Guidelines, 2015. Collection method: clinical testing. Allele origin: germline.

GeneDx
Classification: Likely benign. Last evaluated: 2021-06-21. Review status: criteria provided, single submitter. Criteria: GeneDx Variant Classification Process June 2021. Collection method: clinical testing. Allele origin: germline. Affected: yes.
Comment: This variant is associated with the following publications: (PMID: 19716085, 25637381, 15913580, 20981092, 24055113, 23465283, 22995991, 28988457, 23158531, 31043699)

Color Diagnostics, LLC DBA Color Health
Classification: Likely benign for Arrhythmia. Last evaluated: 2019-01-29. Review status: criteria provided, single submitter. Criteria: ACMG Guidelines, 2015. Collection method: clinical testing. Allele origin: germline.

Ambry Genetics
Classification: Likely benign for Cardiovascular phenotype. Last evaluated: 2018-04-18. Review status: criteria provided, single submitter. Criteria: Ambry Variant Classification Scheme 2023. Collection method: clinical testing. Allele origin: germline.

CSER _CC_NCGL, University of Washington
Classification: Uncertain significance for Long QT syndrome. Last evaluated: 2014-06-01. Review status: criteria provided, single submitter. Criteria: Amendola et al. (Genome Res. 2015). Collection method: research. Allele origin: germline. Inheritance: Autosomal dominant inheritance. Study: ESP 6500 variant annotation.
Comment: Low GERP score may suggest that this variant may belong in a lower pathogenicity class

Variants classified for the Actionable exomic incidental findings in 6503 participants: challenges of variant classification manuscript

PreventionGenetics, part of Exact Sciences
Classification: Likely benign for KCNQ1-related condition. Last evaluated: 2021-03-08. Review status: no assertion criteria provided. Collection method: clinical testing. Allele origin: germline. Not counted in ClinVar's aggregate classification.
Comment: This variant is classified as likely benign based on ACMG/AMP sequence variant interpretation guidelines (Richards et al. 2015 PMID: 25741868, with internal and published modifications).

Cardiovascular Biomedical Research Unit, Royal Brompton & Harefield NHS Foundation Trust
No classification provided. Condition: Familial long QT syndrome. Review status: no classification provided. Collection method: literature only. Allele origin: germline. Not counted in ClinVar's aggregate classification.
Comment: This variant has been reported as associated with Long QT syndrome in the following publications (PMID:19716085;PMID:20981092). This is a literature report, and does not necessarily reflect the clinical interpretation of the Imperial College / Royal Brompton Cardiovascular Genetics laboratory.

Literature cited by the submitters: PubMed 15913580 (cited by Ambry Genetics); PubMed 23465283 (cited by Ambry Genetics); PubMed 24055113 (cited by Ambry Genetics); PubMed 25637381 (cited by Ambry Genetics); PubMed 19716085 (cited by Cardiovascular Biomedical Research Unit, Royal Brompton & Harefield NHS Foundation Trust); PubMed 20981092 (cited by Cardiovascular Biomedical Research Unit, Royal Brompton & Harefield NHS Foundation Trust); PubMed 22581653 (cited by Cardiovascular Biomedical Research Unit, Royal Brompton & Harefield NHS Foundation Trust).